The following is an entry in ClinVar:

ClinVar aggregate classification (germline): Likely pathogenic (1 of 4 stars; one submission).

Conditions:
Hereditary cancer-predisposing syndrome. Also called: Hereditary Cancer Syndrome; Hereditary neoplastic syndrome; Neoplastic Syndromes, Hereditary; Tumor predisposition. Identifiers: Orphanet 140162, MedGen C0027672, MeSH D009386, MONDO:0015356.

Submission:

Ambry Genetics
Classification: Likely pathogenic for Hereditary cancer-predisposing syndrome. Last evaluated: 2021-02-19. Review status: criteria provided, single submitter. Criteria: Ambry Variant Classification Scheme 2023. Collection method: clinical testing. Allele origin: germline.
Comment: The c.1569_1570insSVA likely pathogenic variant results from the insertion of a SVA element between nucleotides 1569 and 1570 in coding exon 9 of the BRCA1 gene. Mobile element insertions contribute to pathogenicity by either disrupting the coding sequence or inducing aberrant splicing (Belancio VP et al. Semin. Cancer Biol. 2010 Aug;20:200-10; Deininger P et al. Genome Biol. 2011 Dec;12:236; van der Klift HM. Hum Mutat. 2012 Jul;33(7):1051-5). Based on the majority of available evidence to date, this variant is likely to be pathogenic.

Literature cited by the submitters: PubMed 22461402.

NM_007294.3:c.1569_1570insSVA

Gene: BRCA1 (BRCA1 DNA repair associated; minus strand).
Variant type: Insertion.
Identifiers: ClinVar variation 1775420 (VCV001775420.2), dbSNP rs2552201804.